The following is an entry in ClinVar:

NM_181507.2(HPS5):c.1616_1617del (p.Leu539fs)

Gene: HPS5 (HPS5 biogenesis of lysosomal organelles complex 2 subunit 2; minus strand). Cytogenetic location: 11p15.1.
Variant type: Deletion.
Coding change: c.1616_1617del on transcript NM_181507.2 (MANE Select); coding-DNA positions 1616 to 1617, 2 bases deleted (TT; older notation c.1616_1617delTT).
Protein change: p.Leu539fs; shifts the reading frame from leucine 539.
Molecular consequence: frameshift variant.
Genome position (GRCh38, 1-based): chr11:18,296,016-18,296,017, AA deleted on the plus strand (TT on the coding strand, the reverse complement: HPS5 is on the minus strand). VCF-style (leftmost placement, unchanged base first): chr11-18296015-GAA-G. GRCh37 (hg19) VCF-style: chr11-18317562-GAA-G.
Other names: c.1274_1275del, p.Leu425fs (NM_007216.4); c.1274_1275delTT, p.Leu425Profs (NM_181508.2); short protein forms L425fs, L539fs.
Identifiers: ClinVar variation 1409362 (VCV001409362.6), dbSNP rs2134326016, ClinGen allele CA2573146112.

ClinVar aggregate classification (germline): Pathogenic (1 of 4 stars; one submission).

Submission:

Labcorp Genetics (formerly Invitae), Labcorp
Classification: Pathogenic. Last evaluated: 2021-10-21. Review status: criteria provided, single submitter. Criteria: Invitae Variant Classification Sherloc (09022015). Collection method: clinical testing. Allele origin: germline.
Comment: This variant has not been reported in the literature in individuals affected with HPS5-related conditions. This variant is not present in population databases (ExAC no frequency). This sequence change creates a premature translational stop signal (p.Leu539Profs*9) in the HPS5 gene. It is expected to result in an absent or disrupted protein product. Loss-of-function variants in HPS5 are known to be pathogenic (PMID: 12548288, 15296495, 21833017, 26785811). For these reasons, this variant has been classified as Pathogenic.

Literature cited by the submitters: PubMed 12548288; PubMed 15296495; PubMed 21833017; PubMed 26785811.